The following is an entry in ClinVar:

NM_031885.5(BBS2):c.1225+3A>G

Gene: BBS2 (Bardet-Biedl syndrome 2; minus strand). Cytogenetic location: 16q13.
Variant type: single nucleotide variant.
Coding change: c.1225+3A>G on transcript NM_031885.5 (MANE Select); 3 bases into the intron after coding-DNA position 1225, A replaced by G.
Molecular consequence: intron variant.
Genome position (GRCh38, 1-based): chr16:56,501,350, T>C on the plus strand (A>G on the coding strand, the complement: BBS2 is on the minus strand). VCF-style: chr16-56501350-T-C. GRCh37 (hg19) VCF-style: chr16-56535262-T-C.
Other names: c.1225+3A>G (NM_001377456.1).
Identifiers: ClinVar variation 4982418 (VCV004982418.1).

ClinVar aggregate classification (germline): Uncertain significance (1 of 4 stars; one submission).

Conditions:
BBS2-related disorder. Also called: BBS2-related disorders; BBS2-related condition. Identifiers: MedGen CN239228.

gnomAD v4.1: 4 of 1,613,992 alleles (0.00025%); highest among the groups gnomAD compares: Admixed American, 0.0017%; no homozygotes.

Submission:

PreventionGenetics, part of Exact Sciences
Classification: Uncertain significance for BBS2-related condition. Last evaluated: 2025-12-16. Review status: criteria provided, single submitter. Criteria: ACMG Guidelines, 2015. Collection method: clinical testing. Allele origin: germline.
Comment: The BBS2 c.1225+3A>G variant is predicted to interfere with splicing. This variant is predicted to alter splicing based on available splicing prediction programs (Alamut Visual Plus v1.6.1; SpliceAI, Jaganathan et al. 2019. PubMed ID: 30661751). However, the use of computer prediction programs is not equivalent to functional evidence. To our knowledge, this variant has not been reported in the literature. This variant is reported in 0.0058% of alleles in individuals of Latino descent in gnomAD. At this time, the clinical significance of this variant is uncertain due to the absence of conclusive functional and genetic evidence.